The following is an entry in ClinVar:

NM_016616.5(NME8):c.1169G>C (p.Arg390Thr)

Gene: NME8 (NME/NM23 family member 8; plus strand). Cytogenetic location: 7p14.1.
Variant type: single nucleotide variant.
Coding change: c.1169G>C on transcript NM_016616.5 (MANE Select); coding-DNA position 1169, G replaced by C.
Protein change: p.Arg390Thr; replaces arginine 390 with threonine.
Molecular consequence: missense variant.
Genome position (GRCh38, 1-based): chr7:37,885,174, G>C. VCF-style: chr7-37885174-G-C. GRCh37 (hg19) VCF-style: chr7-37924776-G-C.
Other names: short protein forms R390T.
Identifiers: ClinVar variation 863904 (VCV000863904.15), dbSNP rs202221051, ClinGen allele CA4222454.

ClinVar aggregate classification (germline): Uncertain significance. Review status: criteria provided, multiple submitters, no conflicts (2 of 4 stars). 3 submissions from 3 submitters: Uncertain significance (3). Last evaluated 2025-12-16.

Conditions:
Primary ciliary dyskinesia 6. Also called: Primary Ciliary Dyskinesia 6: TXNDC3-Related Primary Ciliary Dyskinesia. Identifiers: Orphanet 244, MedGen C1970506, MONDO:0012571, OMIM 610852.
Primary ciliary dyskinesia. Also called: Ciliary dyskinesia. Identifiers: Orphanet 244, MedGen C0008780, MONDO:0016575, HP:0012265.

Allele frequency attached by ClinVar (database versions not stated): TOPMed 0.00022; ESP Exome Variant Server 0.00015; gnomAD exomes 0.00016 and 0.00013; gnomAD 0.00025 and 0.00029; ExAC 0.00010.
gnomAD v4.1: 237 of 1,612,788 alleles (0.015%); highest among the groups gnomAD compares: Admixed American, 0.083%; 1 homozygote.

Submissions (4):

Labcorp Genetics (formerly Invitae), Labcorp
Classification: Uncertain significance for Primary ciliary dyskinesia 6. Last evaluated: 2025-12-16. Review status: criteria provided, single submitter. Criteria: Invitae Variant Classification Sherloc (09022015). Collection method: clinical testing. Allele origin: germline.
Comment: This sequence change replaces arginine, which is basic and polar, with threonine, which is neutral and polar, at codon 390 of the NME8 protein (p.Arg390Thr). This variant is present in population databases (rs202221051, gnomAD 0.06%), and has an allele count higher than expected for a pathogenic variant. This variant has not been reported in the literature in individuals affected with NME8-related conditions. ClinVar contains an entry for this variant (Variation ID: 863904). Invitae Evidence Modeling of protein sequence and biophysical properties (such as structural, functional, and spatial information, amino acid conservation, physicochemical variation, residue mobility, and thermodynamic stability) indicates that this missense variant is expected to disrupt NME8 protein function with a positive predictive value of 80%. Algorithms developed to predict the effect of sequence changes on RNA splicing suggest that this variant may create or strengthen a splice site. In summary, the available evidence is currently insufficient to determine the role of this variant in disease. Therefore, it has been classified as a Variant of Uncertain Significance.

Ambry Genetics
Classification: Uncertain significance for Primary ciliary dyskinesia. Last evaluated: 2025-04-18. Review status: criteria provided, single submitter. Criteria: Ambry Variant Classification Scheme 2023. Collection method: clinical testing. Allele origin: germline.

Molecular Genetics McLendon Clinical Laboratories, University of North Carolina at Chapel Hill
Classification: Uncertain significance for Primary ciliary dyskinesia. Last evaluated: 2024-06-19. Review status: criteria provided, single submitter. Criteria: ACMG Guidelines, 2015. Collection method: clinical testing. Allele origin: germline.

Dr. Peter K. Rogan Lab, Western University
No classification provided (evidence only). Condition: Uterine carcinosarcoma. Review status: no classification provided. Collection method: in vitro. Allele origin: not applicable. Functional consequence: retained intron. Not counted in ClinVar's aggregate classification.